The following is an entry in ClinVar:

NM_001282225.2(ADA2):c.850A>C (p.Ile284Leu)

Gene: ADA2 (adenosine deaminase 2; minus strand). Cytogenetic location: 22q11.1.
Variant type: single nucleotide variant.
Coding change: c.850A>C on transcript NM_001282225.2 (MANE Select); coding-DNA position 850, A replaced by C.
Protein change: p.Ile284Leu; replaces isoleucine 284 with leucine.
Molecular consequence: missense variant.
Genome position (GRCh38, 1-based): chr22:17,191,714, T>G on the plus strand (A>C on the coding strand, the complement: ADA2 is on the minus strand). VCF-style: chr22-17191714-T-G. GRCh37 (hg19) VCF-style: chr22-17672604-T-G.
Other names: c.850A>C, p.Ile284Leu (NM_001282226.2); c.724A>C, p.Ile242Leu (NM_001282227.2, NM_001282228.2); c.490A>C, p.Ile164Leu (NM_001282229.2); c.127A>C, p.Ile43Leu (NM_177405.3); short protein forms I43L, I164L, I242L, I284L.
Identifiers: ClinVar variation 2101679 (VCV002101679.1), dbSNP rs2517305997, ClinGen allele CA410225394.

ClinVar aggregate classification (germline): Uncertain significance (1 of 4 stars; one submission).

Conditions:
Deficiency of adenosine deaminase 2. Also called: Adenosine Deaminase 2 Deficiency; VASCULITIS, AUTOINFLAMMATION, IMMUNODEFICIENCY, AND HEMATOLOGIC DEFECTS SYNDROME; Polyarteritis nodosa, childhoood-onset. Identifiers: Orphanet 404553, MedGen C3887654, MONDO:0014306, OMIM 615688, MONDO:0100317.

Submission:

Labcorp Genetics (formerly Invitae), Labcorp
Classification: Uncertain significance for Deficiency of adenosine deaminase 2. Last evaluated: 2022-02-22. Review status: criteria provided, single submitter. Criteria: Invitae Variant Classification Sherloc (09022015). Collection method: clinical testing. Allele origin: germline.
Comment: This sequence change replaces isoleucine, which is neutral and non-polar, with leucine, which is neutral and non-polar, at codon 284 of the ADA2 protein (p.Ile284Leu). This variant is not present in population databases (gnomAD no frequency). This variant has not been reported in the literature in individuals affected with ADA2-related conditions. Algorithms developed to predict the effect of missense changes on protein structure and function output the following: SIFT: "Tolerated"; PolyPhen-2: "Benign"; Align-GVGD: "Class C0". The leucine amino acid residue is found in multiple mammalian species, which suggests that this missense change does not adversely affect protein function. In summary, the available evidence is currently insufficient to determine the role of this variant in disease. Therefore, it has been classified as a Variant of Uncertain Significance.